The following is an entry in ClinVar:

ClinVar aggregate classification (germline): Pathogenic (1 of 4 stars; one submission).

Conditions:
Neuromuscular disease caused by qualitative or quantitative defects of dystrophin. Also called: Qualitative or quantitative defects of dystrophin. Identifiers: Orphanet 207085, MedGen C5679787, MONDO:0016147.

Submission:

Women's Health and Genetics/Laboratory Corporation of America, LabCorp
Classification: Pathogenic for Neuromuscular disease caused by qualitative or quantitative defects of dystrophin. Last evaluated: 2025-07-08. Review status: criteria provided, single submitter. Criteria: LabCorp Variant Classification Summary - May 2015. Collection method: clinical testing. Allele origin: germline.
Comment: Variant summary: The variant involves the deletion of exons 22-44 in the DMD gene. A presumed nomenclature of c.(2803+1_2804-1)_(6438+1_6439-1)del has been designated for the purposes of this classification. This Copy Number Variant (CNV) is expected to alter the reading frame and predicted to result in a truncation or absence of the encoded protein due to nonsense mediated decay (NMD). The variant was absent in 16120 control chromosomes (gnomAD, structural variants dataset). c.(2803+1_2804-1)_(6438+1_6439-1)del has been observed in individual(s) affected with Dystrophinopathies (e.g. Ling_2020). These data indicate that the variant is likely associated with disease. The following publication has been ascertained in the context of this evaluation (PMID: 31705731). ClinVar contains an entry for this variant (Variation ID: 584282). Based on the evidence outlined above, the variant was classified as pathogenic.

Literature cited by the submitters: PubMed 31705731.

NC_000023.10:g.(31986632_32235032)_(32490427_32503035)del

Gene: DMD (dystrophin; minus strand). Cytogenetic location: Xp21.1.
Variant type: Deletion.
Identifiers: ClinVar variation 4526097 (VCV004526097.1).